The following is an entry in ClinVar:

NM_001032283.3(TMPO):c.565+2172C>T

Gene: TMPO (thymopoietin; plus strand). Cytogenetic location: 12q23.1.
Variant type: single nucleotide variant.
Coding change: c.565+2172C>T on transcript NM_001032283.3 (MANE Select); 2172 bases into the intron after coding-DNA position 565, C replaced by T.
Molecular consequence: intron variant. On other transcripts: missense variant (1).
Genome position (GRCh38, 1-based): chr12:98,534,010, C>T. VCF-style: chr12-98534010-C-T. GRCh37 (hg19) VCF-style: chr12-98927788-C-T.
Other names: c.1753C>T, p.His585Tyr (NM_003276.2); c.565+2172C>T (NM_001307975.2, NM_001032284.3); short protein forms H585Y.
Identifiers: ClinVar variation 579784 (VCV000579784.9), dbSNP rs1565812072, ClinGen allele CA386153860.
Genomic context (GRCh38, chr12:98,534,010, plus strand): 5'-TTGGACTTAGCACTCTGTAGAGCATATGAAGCTGCAGCATCAGCATTGCAGATTGCAACT[C>T]ACACTGCCTTTGTAGCTAAGGCTATGCAGGCAGACATTAGTCAAGCTGCACAGATTCTTA-3'

ClinVar aggregate classification (germline): Uncertain significance (1 of 4 stars; one submission).

Conditions:
Loeys-Dietz syndrome 2 (LDS2). Also called: TGFBR2-Related Loeys-Dietz Syndrome; Marfan Syndrome type 2; Marfan like connective tissue disorder; MFS 2; AORTIC ANEURYSM, FAMILIAL THORACIC 3; MARFAN SYNDROME, TYPE II. Identifiers: Orphanet 284973, Orphanet 558, MedGen C2674574, MONDO:0012427, OMIM 610168.

Submission:

Labcorp Genetics (formerly Invitae), Labcorp
Classification: Uncertain significance for Loeys-Dietz syndrome 2. Last evaluated: 2018-03-30. Review status: criteria provided, single submitter. Criteria: Invitae Variant Classification Sherloc (09022015). Collection method: clinical testing. Allele origin: germline.
Comment: In summary, the available evidence is currently insufficient to determine the role of this variant in disease. Therefore, it has been classified as a Variant of Uncertain Significance. Algorithms developed to predict the effect of missense changes on protein structure and function do not agree on the potential impact of this missense change (SIFT: "Tolerated"; PolyPhen-2: "Probably Damaging"; Align-GVGD: "Class C0"). This variant has not been reported in the literature in individuals with TMPO-related disease. This variant is not present in population databases (ExAC no frequency). This sequence change replaces histidine with tyrosine at codon 585 of the TMPO protein (p.His585Tyr). The histidine residue is weakly conserved and there is a moderate physicochemical difference between histidine and tyrosine.